The following is an entry in ClinVar:

ClinVar aggregate classification (germline): Uncertain significance. Review status: criteria provided, multiple submitters, no conflicts (2 of 4 stars). 2 submissions from 2 submitters: Uncertain significance (2). Last evaluated 2022-04-04.

Allele frequency attached by ClinVar (database versions not stated): gnomAD exomes below 0.00001; ExAC 0.00001.
gnomAD v4.1: 2 of 1,611,710 alleles (0.00012%); highest among the groups gnomAD compares: Non-Finnish European, 0.000085%; no homozygotes.

Submissions (2):

GeneDx
Classification: Uncertain significance. Last evaluated: 2022-04-04. Review status: criteria provided, single submitter. Criteria: GeneDx Variant Classification Process June 2021. Collection method: clinical testing. Allele origin: germline. Affected: yes.
Comment: Reported in several members of one family who exhibited an autosomal dominant mild type of osteogenesis imperfecta (Aubry-Rozier et al., 2020); In silico analysis supports that this missense variant has a deleterious effect on protein structure/function; Not observed at significant frequency in large population cohorts (gnomAD); This variant is associated with the following publications: (PMID: 32667677)

Labcorp Genetics (formerly Invitae), Labcorp
Classification: Uncertain significance. Last evaluated: 2021-08-05. Review status: criteria provided, single submitter. Criteria: Invitae Variant Classification Sherloc (09022015). Collection method: clinical testing. Allele origin: germline.
Comment: This variant has not been reported in the literature in individuals affected with CREB3L1-related conditions. Algorithms developed to predict the effect of missense changes on protein structure and function are either unavailable or do not agree on the potential impact of this missense change (SIFT: "Deleterious"; PolyPhen-2: "Probably Damaging"; Align-GVGD: "Class C0"). In summary, the available evidence is currently insufficient to determine the role of this variant in disease. Therefore, it has been classified as a Variant of Uncertain Significance. This sequence change replaces arginine with cysteine at codon 308 of the CREB3L1 protein (p.Arg308Cys). The arginine residue is highly conserved and there is a large physicochemical difference between arginine and cysteine. This variant is present in population databases (rs768811137, ExAC 0.002%).

NM_052854.4(CREB3L1):c.922C>T (p.Arg308Cys)

Gene: CREB3L1 (cAMP responsive element binding protein 3 like 1; plus strand). Cytogenetic location: 11p11.2.
Variant type: single nucleotide variant.
Coding change: c.922C>T on transcript NM_052854.4 (MANE Select); coding-DNA position 922, C replaced by T.
Protein change: p.Arg308Cys; replaces arginine 308 with cysteine.
Molecular consequence: missense variant.
Genome position (GRCh38, 1-based): chr11:46,312,630, C>T. VCF-style: chr11-46312630-C-T. GRCh37 (hg19) VCF-style: chr11-46334181-C-T.
Other names: short protein forms R308C.
Identifiers: ClinVar variation 1486152 (VCV001486152.7), dbSNP rs768811137, ClinGen allele CA5961723.